The following is an entry in ClinVar:

NM_003647.3(DGKE):c.322T>A (p.Cys108Ser)

Gene: DGKE (diacylglycerol kinase epsilon; plus strand). Cytogenetic location: 17q22.
Variant type: single nucleotide variant.
Coding change: c.322T>A on transcript NM_003647.3 (MANE Select); coding-DNA position 322, T replaced by A.
Protein change: p.Cys108Ser; replaces cysteine 108 with serine.
Molecular consequence: missense variant.
Genome position (GRCh38, 1-based): chr17:56,835,117, T>A. VCF-style: chr17-56835117-T-A. GRCh37 (hg19) VCF-style: chr17-54912478-T-A.
Other names: short protein forms C108S.
Identifiers: ClinVar variation 1705390 (VCV001705390.1), dbSNP rs2509258864, ClinGen allele CA399922023.

ClinVar aggregate classification (germline): Uncertain significance (1 of 4 stars; one submission).

Conditions:
Immunoglobulin-mediated membranoproliferative glomerulonephritis. Also called: NEPHROTIC SYNDROME, TYPE 7, WITH MEMBRANOPROLIFERATIVE GLOMERULONEPHRITIS; Nephrotic syndrome, type 7. Identifiers: Orphanet 329903, MedGen C3554330, MONDO:0014005, OMIM 615008.

Submission:

3billion
Classification: Uncertain significance for Immunoglobulin-mediated membranoproliferative glomerulonephritis. Last evaluated: 2022-09-01. Review status: criteria provided, single submitter. Criteria: ACMG Guidelines, 2015. Collection method: clinical testing. Allele origin: germline. Affected: yes. Observed: 1 homozygote.
Comment: The variant is not observed in the gnomAD v2.1.1 dataset. Missense variants are a common disease-causing mechanism. In silico tool predictions suggest damaging effect of the variant on gene or gene product (REVEL: 0.95; 3Cnet: 0.27). Therefore, this variant is classified as uncertain significance according to the recommendation of ACMG/AMP guideline.